The following is an entry in ClinVar:

NM_005120.3(MED12):c.1633G>C (p.Glu545Gln)

Genes: MED12 (mediator complex subunit 12; plus strand), LOC126863275 (BRD4-independent group 4 enhancer GRCh37_chrX:70342400-70343599; plus strand). Cytogenetic location: Xq13.1.
Variant type: single nucleotide variant.
Coding change: c.1633G>C on transcript NM_005120.3 (MANE Select); coding-DNA position 1633, G replaced by C.
Protein change: p.Glu545Gln; replaces glutamic acid 545 with glutamine.
Molecular consequence: missense variant.
Genome position (GRCh38, 1-based): chrX:71,123,609, G>C. VCF-style: chrX-71123609-G-C. GRCh37 (hg19) VCF-style: chrX-70343459-G-C.
Other names: short protein forms E545Q.
Identifiers: ClinVar variation 1056924 (VCV001056924.12), dbSNP rs2147787733, ClinGen allele CA413508027.
Genomic context (GRCh38, chrX:71,123,609, plus strand): 5'-AAGCAGGTAAAAGTCAGTTCTACAATTTGTTCTGTCATCTTGCAGCGTTGTGGAGAATCA[G>C]AAGCCGCAGATGAGAAGGGTTCCATCGCCTCTGGCTCCCTTTCTGCTCCCAGTGCTCCCA-3'
Protein context (NP_005111.2, residues 535-555): EIEAERCGES[Glu545Gln]AADEKGSIAS

ClinVar aggregate classification (germline): Uncertain significance (1 of 4 stars; one submission).

Conditions:
FG syndrome (FGS). Identifiers: MedGen C0220769, MONDO:0002010.

Submission:

Labcorp Genetics (formerly Invitae), Labcorp
Classification: Uncertain significance for FG syndrome. Last evaluated: 2020-01-24. Review status: criteria provided, single submitter. Criteria: Invitae Variant Classification Sherloc (09022015). Collection method: clinical testing. Allele origin: germline.
Comment: This variant is not present in population databases (ExAC no frequency). This sequence change replaces glutamic acid with glutamine at codon 545 of the MED12 protein (p.Glu545Gln). The glutamic acid residue is highly conserved and there is a small physicochemical difference between glutamic acid and glutamine. This variant has not been reported in the literature in individuals with MED12-related conditions. In summary, the available evidence is currently insufficient to determine the role of this variant in disease. Therefore, it has been classified as a Variant of Uncertain Significance. Algorithms developed to predict the effect of missense changes on protein structure and function are either unavailable or do not agree on the potential impact of this missense change (SIFT: "Deleterious"; PolyPhen-2: "Probably Damaging"; Align-GVGD: "Class C0").